The following is an entry in ClinVar:

NM_001297.5(CNGB1):c.938G>A (p.Trp313Ter)

Gene: CNGB1 (cyclic nucleotide gated channel subunit beta 1; minus strand). Cytogenetic location: 16q21.
Variant type: single nucleotide variant.
Coding change: c.938G>A on transcript NM_001297.5 (MANE Select); coding-DNA position 938, G replaced by A.
Protein change: p.Trp313Ter; replaces tryptophan 313 with a stop codon.
Molecular consequence: nonsense.
Genome position (GRCh38, 1-based): chr16:57,950,477, C>T on the plus strand (G>A on the coding strand, the complement: CNGB1 is on the minus strand). VCF-style: chr16-57950477-C-T. GRCh37 (hg19) VCF-style: chr16-57984381-C-T.
Other names: c.920G>A, p.Trp307Ter (NM_001286130.2); short protein forms W313*, W307*.
Identifiers: ClinVar variation 1998682 (VCV001998682.4), dbSNP rs1242363114, ClinGen allele CA396076091.

ClinVar aggregate classification (germline): Pathogenic (1 of 4 stars; one submission).

Allele frequency attached by ClinVar (database versions not stated): gnomAD exomes below 0.00001.
gnomAD v4.1: 1 of 1,614,214 alleles (0.000062%); highest among the groups gnomAD compares: Non-Finnish European, 0.000085%; no homozygotes.

Submission:

Labcorp Genetics (formerly Invitae), Labcorp
Classification: Pathogenic. Last evaluated: 2022-05-25. Review status: criteria provided, single submitter. Criteria: Invitae Variant Classification Sherloc (09022015). Collection method: clinical testing. Allele origin: germline.
Comment: For these reasons, this variant has been classified as Pathogenic. This premature translational stop signal has been observed in individual(s) with clinical features of retinitis pigmentosa (PMID: 33847019). This variant is present in population databases (no rsID available, gnomAD 0.0009%). This sequence change creates a premature translational stop signal (p.Trp313*) in the CNGB1 gene. It is expected to result in an absent or disrupted protein product. Loss-of-function variants in CNGB1 are known to be pathogenic (PMID: 15557452, 24043777).

Literature cited by the submitters: PubMed 33847019; PubMed 15557452; PubMed 24043777.